The following is an entry in ClinVar:

NM_000535.7(PMS2):c.1009A>T (p.Thr337Ser)

Gene: PMS2 (PMS1 homolog 2, mismatch repair system component; minus strand). Cytogenetic location: 7p22.1.
Variant type: single nucleotide variant.
Coding change: c.1009A>T on transcript NM_000535.7 (MANE Select); coding-DNA position 1009, A replaced by T.
Protein change: p.Thr337Ser; replaces threonine 337 with serine.
Molecular consequence: missense variant. On other transcripts: non-coding transcript variant (1), intron variant (10).
Genome position (GRCh38, 1-based): chr7:5,989,935, T>A on the plus strand (A>T on the coding strand, the complement: PMS2 is on the minus strand). VCF-style: chr7-5989935-T-A. GRCh37 (hg19) VCF-style: chr7-6029566-T-A.
Other names: c.604A>T, p.Thr202Ser (NM_001322003.2, NM_001322004.2, NM_001322005.2 and 16 more transcripts); c.691A>T, p.Thr231Ser (NM_001322007.2, NM_001322008.2, NM_001406876.1 and 2 more transcripts); c.76A>T, p.Thr26Ser (NM_001322011.2, NM_001322012.2); c.436A>T, p.Thr146Ser (NM_001322013.2, NM_001406909.1); c.1009A>T, p.Thr337Ser (NM_001322014.2, NM_001406871.1, NM_001406872.1); c.700A>T, p.Thr234Ser (NM_001322015.2, NM_001406875.1, NM_001406877.1 and 5 more transcripts); c.1195A>T, p.Thr399Ser (NM_001406866.1); c.1033A>T, p.Thr345Ser (NM_001406868.1); and 13 more; short protein forms T234S, T271S, T166S, T202S, T215S, T281S, T26S, T301S.
Identifiers: ClinVar variation 3890966 (VCV003890966.1).
Genomic context (GRCh38, chr7:5,989,935, plus strand): 5'-TCTTTAAAACTGCCAACAAAAGCTTTTCCTCTTGTAGCAAAATTTGCCTTTTATCTGGAG[T>A]AACATTGATATCAACGCATTCTAAGGCAAAAAAGAAAACATATTTATTATGTTTAAATTC-3'
Protein context (NP_000526.2, residues 327-347): VDSECVDINV[Thr337Ser]PDKRQILLQE

ClinVar aggregate classification (germline): Uncertain significance (1 of 4 stars; one submission).

Conditions:
Hereditary cancer-predisposing syndrome. Also called: Tumor predisposition; Neoplastic Syndromes, Hereditary; Hereditary Cancer Syndrome; Hereditary neoplastic syndrome. Identifiers: Orphanet 140162, MedGen C0027672, MeSH D009386, MONDO:0015356.

Submission:

Ambry Genetics
Classification: Uncertain significance for Hereditary cancer-predisposing syndrome. Last evaluated: 2024-12-13. Review status: criteria provided, single submitter. Criteria: Ambry Variant Classification Scheme 2023. Collection method: clinical testing. Allele origin: germline.
Comment: The p.T337S variant (also known as c.1009A>T), located in coding exon 10 of the PMS2 gene, results from an A to T substitution at nucleotide position 1009. The threonine at codon 337 is replaced by serine, an amino acid with similar properties. This amino acid position is conserved. In addition, the in silico prediction for this alteration is inconclusive. Based on the available evidence, the clinical significance of this variant remains unclear.